The following is an entry in ClinVar:

NM_016247.4(IMPG2):c.618C>T (p.Asp206=)

Gene: IMPG2 (interphotoreceptor matrix proteoglycan 2; minus strand). Cytogenetic location: 3q12.3.
Variant type: single nucleotide variant.
Coding change: c.618C>T on transcript NM_016247.4 (MANE Select); coding-DNA position 618, C replaced by T.
Protein change: p.Asp206=; no amino-acid change (aspartic acid 206 retained).
Molecular consequence: synonymous variant.
Genome position (GRCh38, 1-based): chr3:101,275,711, G>A on the plus strand (C>T on the coding strand, the complement: IMPG2 is on the minus strand). VCF-style: chr3-101275711-G-A. GRCh37 (hg19) VCF-style: chr3-100994555-G-A.
Other names: c.618C>T (NM_016247.3).
Identifiers: ClinVar variation 1105459 (VCV001105459.13), dbSNP rs746975626, ClinGen allele CA2519427.

ClinVar aggregate classification (germline): Likely benign. Review status: criteria provided, multiple submitters, no conflicts (2 of 4 stars). 3 submissions from 3 submitters: Likely benign (2). 1 of the submissions does not count toward it. Last evaluated 2025-03-07.

Conditions:
IMPG2-related disorder. Also called: IMPG2-related condition.

Allele frequency attached by ClinVar (database versions not stated): TOPMed 0.00001; gnomAD 0.00003; gnomAD exomes 0.00004; ExAC 0.00005.
gnomAD v4.1: 30 of 1,613,764 alleles (0.0019%); highest among the groups gnomAD compares: South Asian, 0.0066%; no homozygotes.

Submissions (3):

Labcorp Genetics (formerly Invitae), Labcorp
Classification: Likely benign. Last evaluated: 2025-03-07. Review status: criteria provided, single submitter. Criteria: Invitae Variant Classification Sherloc (09022015). Collection method: clinical testing. Allele origin: germline.

Blueprint Genetics
Classification: Likely benign. Last evaluated: 2023-11-01. Review status: criteria provided, single submitter. Criteria: ACMG Guidelines, 2015. Collection method: clinical testing. Allele origin: germline.

PreventionGenetics, part of Exact Sciences
Classification: Likely benign for IMPG2-related condition. Last evaluated: 2020-01-22. Review status: no assertion criteria provided. Collection method: clinical testing. Allele origin: germline. Not counted in ClinVar's aggregate classification.
Comment: This variant is classified as likely benign based on ACMG/AMP sequence variant interpretation guidelines (Richards et al. 2015 PMID: 25741868, with internal and published modifications).